The following is an entry in ClinVar:

ClinVar aggregate classification (germline): Uncertain significance (1 of 4 stars; one submission).

Submission:

Labcorp Genetics (formerly Invitae), Labcorp
Classification: Uncertain significance. Last evaluated: 2023-03-02. Review status: criteria provided, single submitter. Criteria: Invitae Variant Classification Sherloc (09022015). Collection method: clinical testing. Allele origin: germline.
Comment: In summary, the available evidence is currently insufficient to determine the role of this variant in disease. Therefore, it has been classified as a Variant of Uncertain Significance. An algorithm developed to predict the effect of missense changes on protein structure and function (PolyPhen-2) suggests that this variant is likely to be disruptive. This variant has not been reported in the literature in individuals affected with LIPG-related conditions. This variant is not present in population databases (gnomAD no frequency). This sequence change replaces cysteine, which is neutral and slightly polar, with arginine, which is basic and polar, at codon 77 of the LIPG protein (p.Cys77Arg).

NM_006033.4(LIPG):c.229T>C (p.Cys77Arg)

Gene: LIPG (lipase G, endothelial type; plus strand). Cytogenetic location: 18q21.1.
Variant type: single nucleotide variant.
Coding change: c.229T>C on transcript NM_006033.4 (MANE Select); coding-DNA position 229, T replaced by C.
Protein change: p.Cys77Arg; replaces cysteine 77 with arginine.
Molecular consequence: missense variant.
Genome position (GRCh38, 1-based): chr18:49,565,448, T>C. VCF-style: chr18-49565448-T-C. GRCh37 (hg19) VCF-style: chr18-47091818-T-C.
Other names: c.229T>C, p.Cys77Arg (NM_001308006.2); short protein forms C77R.
Identifiers: ClinVar variation 2891476 (VCV002891476.3), dbSNP rs2511292844, ClinGen allele CA402418243.
Genomic context (GRCh38, chr18:49,565,448, plus strand): 5'-AAGGACCCAGAGCATGAAGGATGCTACCTCTCCGTCGGCCACAGCCAGCCCTTAGAAGAC[T>C]GCAGTTTCAACATGACAGCTAAAACCTTTTTCATCATTCACGGATGGACGGTGAGCCCGG-3'
Protein context (NP_006024.1, residues 67-87): SVGHSQPLED[Cys77Arg]SFNMTAKTFF